The following is an entry in ClinVar:

ClinVar aggregate classification (germline): Uncertain significance. Review status: criteria provided, multiple submitters, no conflicts (2 of 4 stars). 2 submissions from 2 submitters: Uncertain significance (2). Last evaluated 2022-10-05.

Conditions:
Inborn genetic diseases. Identifiers: MedGen C0950123, MeSH D030342.
Cortical dysplasia-focal epilepsy syndrome (PTHSL1). Also called: Pitt-Hopkins-like syndrome 1. Identifiers: Orphanet 163681, Orphanet 221150, MedGen C2750246, MONDO:0012400, OMIM 610042.

Allele frequency attached by ClinVar (database versions not stated): gnomAD exomes below 0.00001 and 0.00001; ExAC 0.00001.
gnomAD v4.1: 20 of 1,614,198 alleles (0.0012%); highest among the groups gnomAD compares: Middle Eastern, 0.016%; no homozygotes.

Submissions (2):

Labcorp Genetics (formerly Invitae), Labcorp
Classification: Uncertain significance for Cortical dysplasia-focal epilepsy syndrome. Last evaluated: 2022-10-05. Review status: criteria provided, single submitter. Criteria: Invitae Variant Classification Sherloc (09022015). Collection method: clinical testing. Allele origin: germline.
Comment: This sequence change replaces tyrosine, which is neutral and polar, with phenylalanine, which is neutral and non-polar, at codon 82 of the CNTNAP2 protein (p.Tyr82Phe). This variant is present in population databases (rs771335680, gnomAD 0.003%). This variant has not been reported in the literature in individuals affected with CNTNAP2-related conditions. ClinVar contains an entry for this variant (Variation ID: 1045396). Algorithms developed to predict the effect of missense changes on protein structure and function are either unavailable or do not agree on the potential impact of this missense change (SIFT: "Deleterious"; PolyPhen-2: "Probably Damaging"; Align-GVGD: "Class C0"). In summary, the available evidence is currently insufficient to determine the role of this variant in disease. Therefore, it has been classified as a Variant of Uncertain Significance.

Ambry Genetics
Classification: Uncertain significance for Inborn genetic diseases. Last evaluated: 2019-04-29. Review status: criteria provided, single submitter. Criteria: Ambry Variant Classification Scheme 2023. Collection method: clinical testing. Allele origin: germline.
Comment: The p.Y82F variant (also known as c.245A>T), located in coding exon 3 of the CNTNAP2 gene, results from an A to T substitution at nucleotide position 245. The tyrosine at codon 82 is replaced by phenylalanine, an amino acid with highly similar properties. This amino acid position is highly conserved in available vertebrate species. In addition, the in silico prediction for this alteration is inconclusive. Since supporting evidence is limited at this time, the clinical significance of this alteration remains unclear.

NM_014141.6(CNTNAP2):c.245A>T (p.Tyr82Phe)

Gene: CNTNAP2 (contactin associated protein 2; plus strand). Cytogenetic location: 7q35.
Variant type: single nucleotide variant.
Coding change: c.245A>T on transcript NM_014141.6 (MANE Select); coding-DNA position 245, A replaced by T.
Protein change: p.Tyr82Phe; replaces tyrosine 82 with phenylalanine.
Molecular consequence: missense variant.
Genome position (GRCh38, 1-based): chr7:146,839,747, A>T. VCF-style: chr7-146839747-A-T. GRCh37 (hg19) VCF-style: chr7-146536839-A-T.
Other names: short protein forms Y82F.
Identifiers: ClinVar variation 1045396 (VCV001045396.8), dbSNP rs771335680, ClinGen allele CA4545738.